The following is an entry in ClinVar:

ClinVar aggregate classification (germline): Pathogenic. Review status: criteria provided, multiple submitters, no conflicts (2 of 4 stars). 2 submissions from 2 submitters: Pathogenic (2). Last evaluated 2019-10-18.

Conditions:
Hereditary cancer-predisposing syndrome. Also called: Tumor predisposition; Hereditary Cancer Syndrome; Neoplastic Syndromes, Hereditary; Hereditary neoplastic syndrome. Identifiers: Orphanet 140162, MedGen C0027672, MeSH D009386, MONDO:0015356.
Hereditary breast ovarian cancer syndrome. Also called: Hereditary breast and ovarian cancer; Breast and ovarian cancer; Hereditary breast and/or ovarian cancer syndrome; Hereditary breast and ovarian cancer syndrome; BRCA1- and BRCA2-Associated Hereditary Breast and Ovarian Cancer; Hereditary breast and ovarian cancer syndrome (HBOC). Identifiers: Orphanet 145, MedGen C0677776, MeSH D061325, MONDO:0003582. Disease mechanism: loss of function.

Submissions (2):

Labcorp Genetics (formerly Invitae), Labcorp
Classification: Pathogenic for Hereditary breast ovarian cancer syndrome. Last evaluated: 2019-10-18. Review status: criteria provided, single submitter. Criteria: Invitae Variant Classification Sherloc (09022015). Collection method: clinical testing. Allele origin: germline.
Comment: This sequence change creates a premature translational stop signal (p.Val1088*) in the BRCA1 gene. It is expected to result in an absent or disrupted protein product. This variant is not present in population databases (ExAC no frequency). This variant has not been reported in the literature in individuals with BRCA1-related conditions. Loss-of-function variants in BRCA1 are known to be pathogenic (PMID: 20104584). For these reasons, this variant has been classified as Pathogenic.

Ambry Genetics
Classification: Pathogenic for Hereditary cancer-predisposing syndrome. Last evaluated: 2019-10-03. Review status: criteria provided, single submitter. Criteria: Ambry Variant Classification Scheme 2023. Collection method: clinical testing. Allele origin: germline.
Comment: The c.3260_3261insCTA pathogenic mutation (also known as p.V1088*), located in coding exon 9 of the BRCA1 gene, results from an in-frame CTA insertion at nucleotide positions 3260 to 3261. This changes the amino acid from a valine to a stop codon within coding exon 9. This alteration is expected to result in loss of function by premature protein truncation or nonsense-mediated mRNA decay. As such, this alteration is interpreted as a disease-causing mutation.

Literature cited by the submitters: PubMed 20104584 (cited by Labcorp Genetics (formerly Invitae), Labcorp).

NM_007294.4(BRCA1):c.3260_3261insCTA (p.Gly1087_Val1088insTer)

Genes: BRCA1 (BRCA1 DNA repair associated; minus strand), LOC126862571 (BRD4-independent group 4 enhancer GRCh37_chr17:41243136-41244335; plus strand). Cytogenetic location: 17q21.31.
Variant type: Insertion.
Coding change: c.3260_3261insCTA on transcript NM_007294.4 (MANE Select); coding-DNA positions 3260 to 3261, CTA inserted.
Protein change: p.Gly1087_Val1088insTer.
Molecular consequence: nonsense, inframe insertion. On other transcripts: intron variant (137).
Genome position: GRCh38 VCF-style: chr17-43092270-C-CTAG. GRCh37 (hg19) VCF-style: chr17-41244287-C-CTAG.
Other names: c.662-1239_662-1238insCTA (NM_001408432.1, NM_001408450.1, NM_001408434.1 and 6 more transcripts); c.668-1239_668-1238insCTA (NM_001408431.1, NM_001408424.1, NM_001408421.1); c.785-1239_785-1238insCTA (NM_001408407.1, NM_001408402.1, NM_001408473.1 and 13 more transcripts); c.665-1239_665-1238insCTA (NM_001408443.1, NM_001408439.1, NM_001408425.1 and 12 more transcripts); c.671-1239_671-1238insCTA (NM_001408419.1, NM_001408422.1, NM_001408418.1 and 2 more transcripts); c.788-1239_788-1238insCTA (NM_001408403.1, NM_001407983.1, NM_001407975.1 and 17 more transcripts); c.791-1248_791-1247insCTA (NM_001408406.1); c.647-1239_647-1238insCTA (NM_001408456.1, NM_001408410.1, NM_001408458.1 and 11 more transcripts); and 41 more.
Identifiers: ClinVar variation 823335 (VCV000823335.13), dbSNP rs1597864731, ClinGen allele CA915950130.